The following is an entry in ClinVar:

NM_001261826.3(AP3D1):c.1482-3C>T

Gene: AP3D1 (adaptor related protein complex 3 subunit delta 1; minus strand). Cytogenetic location: 19p13.3.
Variant type: single nucleotide variant.
Coding change: c.1482-3C>T on transcript NM_001261826.3 (MANE Select); 3 bases into the intron before coding-DNA position 1482, C replaced by T.
Molecular consequence: intron variant.
Genome position (GRCh38, 1-based): chr19:2,118,835, G>A on the plus strand (C>T on the coding strand, the complement: AP3D1 is on the minus strand). VCF-style: chr19-2118835-G-A. GRCh37 (hg19) VCF-style: chr19-2118834-G-A.
Other names: c.1482-3C>T (NM_003938.8, NM_001374799.1).
Identifiers: ClinVar variation 1466474 (VCV001466474.6), dbSNP rs754831110, ClinGen allele CA9059290.

ClinVar aggregate classification (germline): Uncertain significance (1 of 4 stars; one submission).

Allele frequency attached by ClinVar (database versions not stated): gnomAD 0.00001; gnomAD exomes 0.00001 and 0.00002; TOPMed 0.00002; ExAC 0.00003.
gnomAD v4.1: 25 of 1,612,134 alleles (0.0016%); highest among the groups gnomAD compares: Middle Eastern, 0.016%; no homozygotes.

Submission:

Labcorp Genetics (formerly Invitae), Labcorp
Classification: Uncertain significance. Last evaluated: 2025-10-26. Review status: criteria provided, single submitter. Criteria: Invitae Variant Classification Sherloc (09022015). Collection method: clinical testing. Allele origin: germline.
Comment: This sequence change falls in intron 14 of the AP3D1 gene. It does not directly change the encoded amino acid sequence of the AP3D1 protein. It affects a nucleotide within the consensus splice site. This variant is present in population databases (rs754831110, gnomAD 0.003%). This variant has not been reported in the literature in individuals affected with AP3D1-related conditions. ClinVar contains an entry for this variant (Variation ID: 1466474). Variants that disrupt the consensus splice site are a relatively common cause of aberrant splicing (PMID: 17576681, 9536098). Algorithms developed to predict the effect of sequence changes on RNA splicing suggest that this variant is not likely to affect RNA splicing. In summary, the available evidence is currently insufficient to determine the role of this variant in disease. Therefore, it has been classified as a Variant of Uncertain Significance.

Literature cited by the submitters: PubMed 17576681; PubMed 9536098.